The following is an entry in ClinVar:

ClinVar aggregate classification (germline): Uncertain significance (1 of 4 stars; one submission).

Submission:

Labcorp Genetics (formerly Invitae), Labcorp
Classification: Uncertain significance. Last evaluated: 2025-02-27. Review status: criteria provided, single submitter. Criteria: Invitae Variant Classification Sherloc (09022015). Collection method: clinical testing. Allele origin: germline.
Comment: This sequence change replaces serine, which is neutral and polar, with glycine, which is neutral and non-polar, at codon 200 of the ACY1 protein (p.Ser200Gly). This variant is not present in population databases (gnomAD no frequency). This variant has not been reported in the literature in individuals affected with ACY1-related conditions. Invitae Evidence Modeling of protein sequence and biophysical properties (such as structural, functional, and spatial information, amino acid conservation, physicochemical variation, residue mobility, and thermodynamic stability) indicates that this missense variant is not expected to disrupt ACY1 protein function with a negative predictive value of 80%. In summary, the available evidence is currently insufficient to determine the role of this variant in disease. Therefore, it has been classified as a Variant of Uncertain Significance.

NM_000666.3(ACY1):c.598A>G (p.Ser200Gly)

Genes: ABHD14A-ACY1 (ABHD14A-ACY1 readthrough; plus strand), ACY1 (aminoacylase 1; plus strand). Cytogenetic location: 3p21.2.
Variant type: single nucleotide variant.
Coding change: c.598A>G on transcript NM_000666.3 (MANE Select); coding-DNA position 598, A replaced by G.
Protein change: p.Ser200Gly; replaces serine 200 with glycine.
Molecular consequence: missense variant.
Genome position (GRCh38, 1-based): chr3:51,987,002, A>G. VCF-style: chr3-51987002-A-G. GRCh37 (hg19) VCF-style: chr3-52021018-A-G.
Other names: c.868A>G, p.Ser290Gly (NM_001316331.2); c.598A>G, p.Ser200Gly (NM_001198895.2, NM_001198897.2); c.382A>G, p.Ser128Gly (NM_001198896.2); c.493A>G, p.Ser165Gly (NM_001198898.2); short protein forms S128G, S165G, S200G, S290G.
Identifiers: ClinVar variation 4715573 (VCV004715573.1).